The following is an entry in ClinVar:

ClinVar aggregate classification (germline): Uncertain significance (1 of 4 stars; one submission).

gnomAD v4.1: 3 of 1,608,806 alleles (0.00019%); highest among the groups gnomAD compares: African/African-American, 0.004%; no homozygotes.

Submission:

Dasa
Classification: Uncertain significance. Last evaluated: 2026-03-29. Review status: criteria provided, single submitter. Criteria: DASA Assertion Criteria. Collection method: clinical testing. Allele origin: germline.
Comment: NM_013436.5(NCKAP1):c.1385C>G (p.Ser462Cys) is a missense variant that results in the substitution of serine with cysteine. This variant is rare in population databases. Computational prediction algorithms are consistent with a deleterious effect. The currently available literature and clinical evidence are not sufficient to establish a definitive association between this variant and the reported condition. Therefore, this variant is classified as a variant of uncertain significance.

NM_013436.5(NCKAP1):c.1385C>G (p.Ser462Cys)

Gene: NCKAP1 (NCK associated protein 1; minus strand). Cytogenetic location: 2q32.1.
Variant type: single nucleotide variant.
Coding change: c.1385C>G on transcript NM_013436.5 (MANE Select); coding-DNA position 1385, C replaced by G.
Protein change: p.Ser462Cys; replaces serine 462 with cysteine.
Molecular consequence: missense variant.
Genome position (GRCh38, 1-based): chr2:182,978,872, G>C on the plus strand (C>G on the coding strand, the complement: NCKAP1 is on the minus strand). VCF-style: chr2-182978872-G-C. GRCh37 (hg19) VCF-style: chr2-183843600-G-C.
Other names: c.1379C>G, p.Ser460Cys (NM_001437266.1); c.1397C>G, p.Ser466Cys (NM_001437267.1); c.1403C>G, p.Ser468Cys (NM_205842.3); short protein forms S460C, S462C, S466C, S468C.
Identifiers: ClinVar variation 4881929 (VCV004881929.2).